The following is an entry in ClinVar:

ClinVar aggregate classification (germline): Likely pathogenic (1 of 4 stars; one submission).

Conditions:
Primary ciliary dyskinesia 3. Identifiers: Orphanet 244, MedGen C1837618, MONDO:0012085, OMIM 608644.

Submission:

Myriad Genetics, Inc.
Classification: Likely pathogenic for Primary ciliary dyskinesia 3. Last evaluated: 2022-02-05. Review status: criteria provided, single submitter. Criteria: Myriad Women's Health Autosomal Recessive and X-Linked Classification Criteria (2021). Collection method: clinical testing. Allele origin: unknown.
Comment: NM_001369.2(DNAH5):c.4547T>A(L1516*) is expected to be pathogenic in the context of DNAH5-related primary ciliary dyskinesia. This variant is predicted to lead to an abnormal or absent protein product due to the creation of a premature termination codon in DNAH5, a gene where loss-of-function variants are known to be pathogenic. Please note: this variant was assessed in the context of healthy population screening.

NM_001369.3(DNAH5):c.4547T>A (p.Leu1516Ter)

Genes: DNAH5-AS1 (DNAH5 antisense RNA 1; plus strand), DNAH5 (dynein axonemal heavy chain 5; minus strand). Cytogenetic location: 5p15.2.
Variant type: single nucleotide variant.
Coding change: c.4547T>A on transcript NM_001369.3 (MANE Select); coding-DNA position 4547, T replaced by A.
Protein change: p.Leu1516Ter; replaces leucine 1516 with a stop codon.
Molecular consequence: nonsense.
Genome position (GRCh38, 1-based): chr5:13,864,446, A>T on the plus strand (T>A on the coding strand, the complement: DNAH5 is on the minus strand). VCF-style: chr5-13864446-A-T. GRCh37 (hg19) VCF-style: chr5-13864555-A-T.
Other names: short protein forms L1516*.
Identifiers: ClinVar variation 1724333 (VCV001724333.2), dbSNP rs2546978412, ClinGen allele CA359223831.
Genomic context (GRCh38, chr5:13,864,446, plus strand): 5'-TCATACTCTACCTCTATTTCCTCTTTATATTTCAGAAGAGGTGCCTCCATGATATTTCTT[A>T]ACTTAAAGCTTTCATTCCCCACATCCAGACTGTGCCCGGTGAGGGTGGTTATCCTTTCCC-3'